The following is an entry in ClinVar:

NM_006206.6(PDGFRA):c.2681C>G (p.Thr894Ser)

Gene: PDGFRA (platelet derived growth factor receptor alpha; plus strand). Cytogenetic location: 4q12.
Variant type: single nucleotide variant.
Coding change: c.2681C>G on transcript NM_006206.6 (MANE Select); coding-DNA position 2681, C replaced by G.
Protein change: p.Thr894Ser; replaces threonine 894 with serine.
Molecular consequence: missense variant.
Genome position (GRCh38, 1-based): chr4:54,288,805, C>G. VCF-style: chr4-54288805-C-G. GRCh37 (hg19) VCF-style: chr4-55154972-C-G.
Other names: c.2756C>G, p.Thr919Ser (NM_001347828.2); c.2681C>G, p.Thr894Ser (NM_001347829.2); c.2720C>G, p.Thr907Ser (NM_001347830.2); short protein forms T894S, T907S, T919S.
Identifiers: ClinVar variation 3225291 (VCV003225291.1), dbSNP rs1194156035, ClinGen allele CA356895409.

ClinVar aggregate classification (germline): Uncertain significance (1 of 4 stars; one submission).

Conditions:
Hereditary cancer-predisposing syndrome. Also called: Neoplastic Syndromes, Hereditary; Tumor predisposition; Hereditary neoplastic syndrome; Hereditary Cancer Syndrome. Identifiers: Orphanet 140162, MedGen C0027672, MeSH D009386, MONDO:0015356.

Submission:

Ambry Genetics
Classification: Uncertain significance for Hereditary cancer-predisposing syndrome. Last evaluated: 2023-11-02. Review status: criteria provided, single submitter. Criteria: Ambry Variant Classification Scheme 2023. Collection method: clinical testing. Allele origin: germline.
Comment: The p.T894S variant (also known as c.2681C>G), located in coding exon 19 of the PDGFRA gene, results from a C to G substitution at nucleotide position 2681. The threonine at codon 894 is replaced by serine, an amino acid with similar properties. This amino acid position is conserved. In addition, the in silico prediction for this alteration is inconclusive. Since supporting evidence is limited at this time, the clinical significance of this alteration remains unclear.